The following is an entry in ClinVar:

ClinVar aggregate classification (germline): Pathogenic. Review status: criteria provided, multiple submitters, no conflicts (2 of 4 stars). 4 submissions from 4 submitters: Pathogenic (4). Last evaluated 2024-07-13.

Conditions:
ABCA4-related disorder. Also called: ABCA4-related disorders; ABCA4-related condition. Identifiers: MedGen CN239167.

Allele frequency attached by ClinVar (database versions not stated): gnomAD 0.00001; TOPMed 0.00001.

Submissions (4):

Labcorp Genetics (formerly Invitae), Labcorp
Classification: Pathogenic. Last evaluated: 2024-07-13. Review status: criteria provided, single submitter. Criteria: Invitae Variant Classification Sherloc (09022015). Collection method: clinical testing. Allele origin: germline.
Comment: This sequence change creates a premature translational stop signal (p.Glu189Serfs*12) in the ABCA4 gene. It is expected to result in an absent or disrupted protein product. Loss-of-function variants in ABCA4 are known to be pathogenic (PMID: 10958761, 24938718, 25312043, 26780318). This variant is not present in population databases (gnomAD no frequency). This premature translational stop signal has been observed in individual(s) with retinal disease (PMID: 21911583). ClinVar contains an entry for this variant (Variation ID: 289312). For these reasons, this variant has been classified as Pathogenic.

Blueprint Genetics
Classification: Pathogenic for ABCA4-related disorders. Last evaluated: 2022-05-10. Review status: criteria provided, single submitter. Criteria: ACMG Guidelines, 2015. Collection method: clinical testing. Allele origin: germline. Affected: yes. Observed: 3 variant alleles.

GeneDx
Classification: Pathogenic. Last evaluated: 2019-12-30. Review status: criteria provided, single submitter. Criteria: GeneDx Variant Classification Process June 2021. Collection method: clinical testing. Allele origin: germline. Affected: yes.
Comment: Frameshift variant predicted to result in protein truncation or nonsense mediated decay in a gene for which loss-of-function is a known mechanism of disease; Not observed in large population cohorts (Lek et al., 2016); Identified in an individual with retinal dystrophy in the published literature who also harbored a second ABCA4 pathogenic variant, although the phase of these two variants was not confirmed (Zernant et al., 2011); This variant is associated with the following publications: (PMID: 21911583)

Eurofins Ntd Llc (ga)
Classification: Pathogenic. Last evaluated: 2016-08-25. Review status: criteria provided, single submitter. Criteria: EGL Classification Definitions 2015. Collection method: clinical testing. Allele origin: germline. Observed: 1 variant allele, 1 heterozygote.

Literature cited by the submitters: PubMed 10958761 (cited by Labcorp Genetics (formerly Invitae), Labcorp); PubMed 24938718 (cited by Labcorp Genetics (formerly Invitae), Labcorp); PubMed 25312043 (cited by Labcorp Genetics (formerly Invitae), Labcorp); PubMed 26780318 (cited by Labcorp Genetics (formerly Invitae), Labcorp); PubMed 21911583 (cited by Labcorp Genetics (formerly Invitae), Labcorp).

NM_000350.3(ABCA4):c.564del (p.Glu189fs)

Gene: ABCA4 (ATP binding cassette subfamily A member 4; minus strand). Cytogenetic location: 1p22.1.
Variant type: Deletion.
Coding change: c.564del on transcript NM_000350.3 (MANE Select); coding-DNA position 564, one base deleted (A; older notation c.564delA).
Protein change: p.Glu189fs; shifts the reading frame from glutamic acid 189.
Molecular consequence: frameshift variant.
Genome position (GRCh38, 1-based): chr1:94,103,021, T deleted on the plus strand (A on the coding strand, the reverse complement: ABCA4 is on the minus strand). VCF-style (leftmost placement, unchanged base first): chr1-94103020-CT-C. GRCh37 (hg19) VCF-style: chr1-94568576-CT-C.
Other names: c.564delA, p.Glu189Serfs (NM_001425324.1); c.564del (NM_000350.2); short protein forms E189fs.
Identifiers: ClinVar variation 289312 (VCV000289312.19), dbSNP rs886044148, ClinGen allele CA10606407.